The following is an entry in ClinVar:

ClinVar aggregate classification (germline): Conflicting classifications of pathogenicity. Review status: criteria provided, conflicting classifications (1 of 4 stars). 6 submissions from 6 submitters: Uncertain significance (1); Benign (1); Likely benign (4). Last evaluated 2026-02-03.

Conditions:
Cardiovascular phenotype. Identifiers: MedGen CN230736.
Cardiac arrhythmia. Also called: Arrhythmia; Cardiac rhythm disease. Identifiers: MedGen C0003811, MONDO:0007263, HP:0011675.
Brugada syndrome 4 (BRGDA4). Identifiers: Orphanet 130, MedGen C2678477, MONDO:0012743, OMIM 611876.

Submissions (6):

Labcorp Genetics (formerly Invitae), Labcorp
Classification: Likely benign for Brugada syndrome 4. Last evaluated: 2026-02-03. Review status: criteria provided, single submitter. Criteria: Invitae Variant Classification Sherloc (09022015). Collection method: clinical testing. Allele origin: germline.

Blueprint Genetics
Classification: Likely benign. Last evaluated: 2024-10-08. Review status: criteria provided, single submitter. Criteria: ACMG Guidelines, 2015. Collection method: clinical testing. Allele origin: germline.

Ambry Genetics
Classification: Likely benign for Cardiovascular phenotype. Last evaluated: 2019-02-28. Review status: criteria provided, single submitter. Criteria: Ambry Variant Classification Scheme 2023. Collection method: clinical testing. Allele origin: germline.

Women's Health and Genetics/Laboratory Corporation of America, LabCorp
Classification: Benign. Last evaluated: 2017-12-21. Review status: criteria provided, single submitter. Criteria: LabCorp Variant Classification Summary - May 2015. Collection method: clinical testing. Allele origin: germline.
Comment: Variant summary: The CACNB2 c.1044+4_1044+7dupAGTA variant involves the duplication of 4 nucleotides in the 10th intron of the gene that is 4 nucleotides away from the exon-intron junction. One in silico tool predicts a benign outcome for this variant. 3/5 splice prediction tools predict a significant impact on normal splicing and ESE finder predicts the variant introduces an SRp55 ESE site at the locus. However, these predictions have yet to be confirmed by functional studies. This variant was found in 55/277112 control chromosomes, predominantly observed in the Ashkenazi Jewish subpopulation at a frequency of 0.003941 (40/10150). This frequency is about 394 times the estimated maximal expected allele frequency of a pathogenic CACNB2 variant (0.00001), strongly suggesting this is likely a benign polymorphism found primarily in the populations of Ashkenazi Jewish origin. In addition, multiple clinical diagnostic laboratories/reputable databases classified this variant as likely benign. The variant of interest has not, to our knowledge, been reported in affected individuals via publications and/or reputable databases/clinical diagnostic laboratories; nor evaluated for functional impact by in vivo/vitro studies. Taken together, this variant is classified as benign.

Biesecker Lab/Clinical Genomics Section, National Institutes of Health
Classification: Uncertain significance. Last evaluated: 2013-06-24. Review status: criteria provided, single submitter. Criteria: Ng et al. (Circ Cardiovasc Genet. 2013). Collection method: research. Allele origin: unknown. Observed: 4 variant alleles. Study: ClinSeq.
Comment: The study set was not selected for affection status in relation to any cancer. Pathogenicity categories were based on literature curation. See Pubmed ID:23861362 for details.

Medical sequencing

GeneDx
Classification: Likely benign for Cardiac arrhythmia. Last evaluated: 2012-10-22. Review status: criteria provided, single submitter. Criteria: GeneDx Variant Classification (06012015). Collection method: clinical testing. Allele origin: germline. Affected: yes.
Comment: The variant is found in BRUGADA panel(s).

NM_201596.3(CACNB2):c.1206+4_1206+7dup

Gene: CACNB2 (calcium voltage-gated channel auxiliary subunit beta 2; plus strand). Cytogenetic location: 10p12.31.
Variant type: Duplication.
Coding change: c.1206+4_1206+7dup on transcript NM_201596.3 (MANE Select); bases 4 to 7 of the intron after coding-DNA position 1206, 4 bases duplicated (AGTA; older notation c.1206+4_1206+7dupAGTA).
Molecular consequence: splice donor variant.
Genome position (GRCh38, 1-based): chr10:18,534,231-18,534,234, AGTA duplicated; duplicating any 4 consecutive bases within chr10:18,534,228-18,534,234 gives the same sequence; the c. name uses the placement nearest the transcript's 3' end. VCF-style (leftmost placement, unchanged base first): chr10-18534227-G-GGTAA. GRCh37 (hg19) VCF-style: chr10-18823156-G-GGTAA.
Other names: c.1122+4_1122+7dup (NM_201571.4); c.1008+4_1008+7dup (NM_001167945.2); c.1050+4_1050+7dup (NM_201572.4); c.1092+4_1092+7dup (NM_201593.3); c.1134+4_1134+7dup (NM_201597.3); c.1041+4_1041+7dup (NM_000724.4); c.927+4_927+7dup (NM_001330060.2); c.1044+4_1044+7dup (NM_201590.3); and 3 more.
Identifiers: ClinVar variation 191435 (VCV000191435.18), dbSNP rs1456201116, ClinGen allele CA236658.